The following is an entry in ClinVar:

NM_002838.5(PTPRC):c.1458C>G (p.Ser486Arg)

Gene: PTPRC (protein tyrosine phosphatase receptor type C; plus strand). Cytogenetic location: 1q32.1.
Variant type: single nucleotide variant.
Coding change: c.1458C>G on transcript NM_002838.5 (MANE Select); coding-DNA position 1458, C replaced by G.
Protein change: p.Ser486Arg; replaces serine 486 with arginine.
Molecular consequence: missense variant.
Genome position (GRCh38, 1-based): chr1:198,718,101, C>G. VCF-style: chr1-198718101-C-G. GRCh37 (hg19) VCF-style: chr1-198687230-C-G.
Other names: c.1452C>G (NM_002838.3); c.975C>G, p.Ser325Arg (NM_080921.4); short protein forms S325R, S486R.
Identifiers: ClinVar variation 642153 (VCV000642153.6), dbSNP rs200407298, ClinGen allele CA1314808.

ClinVar aggregate classification (germline): Uncertain significance. Review status: criteria provided, multiple submitters, no conflicts (2 of 4 stars). 2 submissions from 2 submitters: Uncertain significance (2). Last evaluated 2025-06-19.

Conditions:
Immunodeficiency 104. Also called: SCID, AUTOSOMAL RECESSIVE, T CELL-NEGATIVE, B CELL-POSITIVE, NK CELL-POSITIVE; IMMUNODEFICIENCY 104, SEVERE COMBINED; Severe combined immunodeficiency, autosomal recessive, T cell-negative, B cell-positive, NK cell-positive; Severe Combined Immune Deficiency, Autosomal Recessive, TCell -Negative, B Cell-Positive, NK Cell-Positive, IL7R-Related. Identifiers: MedGen C5676890, MONDO:0012163, OMIM 608971.
Inborn genetic diseases. Identifiers: MedGen C0950123, MeSH D030342.

Allele frequency attached by ClinVar (database versions not stated): ExAC 0.00002; TOPMed 0.00002; gnomAD exomes 0.00003; gnomAD 0.00004.
gnomAD v4.1: 110 of 1,611,150 alleles (0.0068%); highest among the groups gnomAD compares: Non-Finnish European, 0.0082%; no homozygotes.

Submissions (2):

Ambry Genetics
Classification: Uncertain significance for Inborn genetic diseases. Last evaluated: 2025-06-19. Review status: criteria provided, single submitter. Criteria: Ambry Variant Classification Scheme 2023. Collection method: clinical testing. Allele origin: germline.

Labcorp Genetics (formerly Invitae), Labcorp
Classification: Uncertain significance for Immunodeficiency 104. Last evaluated: 2025-01-23. Review status: criteria provided, single submitter. Criteria: Invitae Variant Classification Sherloc (09022015). Collection method: clinical testing. Allele origin: germline.
Comment: This sequence change replaces serine, which is neutral and polar, with arginine, which is basic and polar, at codon 486 of the PTPRC protein (p.Ser486Arg). This variant is present in population databases (rs200407298, gnomAD 0.006%). This variant has not been reported in the literature in individuals affected with PTPRC-related conditions. ClinVar contains an entry for this variant (Variation ID: 642153). An algorithm developed to predict the effect of missense changes on protein structure and function (PolyPhen-2) suggests that this variant is likely to be disruptive. In summary, the available evidence is currently insufficient to determine the role of this variant in disease. Therefore, it has been classified as a Variant of Uncertain Significance.